The following is an entry in ClinVar:

NM_001079843.3(CASZ1):c.4106C>T (p.Ser1369Phe)

Gene: CASZ1 (castor zinc finger 1; minus strand). Cytogenetic location: 1p36.22.
Variant type: single nucleotide variant.
Coding change: c.4106C>T on transcript NM_001079843.3 (MANE Select); coding-DNA position 4106, C replaced by T.
Protein change: p.Ser1369Phe; replaces serine 1369 with phenylalanine.
Molecular consequence: missense variant.
Genome position (GRCh38, 1-based): chr1:10,642,915, G>A on the plus strand (C>T on the coding strand, the complement: CASZ1 is on the minus strand). VCF-style: chr1-10642915-G-A. GRCh37 (hg19) VCF-style: chr1-10702972-G-A.
Other names: short protein forms S1369F.
Identifiers: ClinVar variation 4771234 (VCV004771234.1).

ClinVar aggregate classification (germline): Uncertain significance (1 of 4 stars; one submission).

gnomAD v4.1: 1 of 1,613,090 alleles (0.000062%); highest among the groups gnomAD compares: Non-Finnish European, 0.000085%; no homozygotes.

Submission:

Labcorp Genetics (formerly Invitae), Labcorp
Classification: Uncertain significance. Last evaluated: 2025-04-17. Review status: criteria provided, single submitter. Criteria: Invitae Variant Classification Sherloc (09022015). Collection method: clinical testing. Allele origin: germline.
Comment: This sequence change replaces serine, which is neutral and polar, with phenylalanine, which is neutral and non-polar, at codon 1369 of the CASZ1 protein (p.Ser1369Phe). This variant is not present in population databases (gnomAD no frequency). This variant has not been reported in the literature in individuals affected with CASZ1-related conditions. An algorithm developed to predict the effect of missense changes on protein structure and function (PolyPhen-2) suggests that this variant is likely to be disruptive. In summary, the available evidence is currently insufficient to determine the role of this variant in disease. Therefore, it has been classified as a Variant of Uncertain Significance.